The following is an entry in ClinVar:

ClinVar aggregate classification (germline): Uncertain significance (1 of 4 stars; one submission).

Conditions:
Early-infantile DEE. Also called: Early infantile epileptic encephalopathy; Early infantile epileptic encephalopathy with suppression bursts; Ohtahara syndrome. Identifiers: Orphanet 1934, MedGen C0393706, MONDO:0800491.

Submission:

Labcorp Genetics (formerly Invitae), Labcorp
Classification: Uncertain significance for Early-infantile DEE. Last evaluated: 2024-05-22. Review status: criteria provided, single submitter. Criteria: Invitae Variant Classification Sherloc (09022015). Collection method: clinical testing. Allele origin: germline.
Comment: This sequence change replaces arginine, which is basic and polar, with tryptophan, which is neutral and slightly polar, at codon 405 of the HCN1 protein (p.Arg405Trp). The frequency data for this variant in the population databases is considered unreliable, as metrics indicate poor data quality at this position in the gnomAD database. This variant has not been reported in the literature in individuals affected with HCN1-related conditions. Advanced modeling of protein sequence and biophysical properties (such as structural, functional, and spatial information, amino acid conservation, physicochemical variation, residue mobility, and thermodynamic stability) performed at Invitae indicates that this missense variant is expected to disrupt HCN1 protein function with a positive predictive value of 80%. In summary, the available evidence is currently insufficient to determine the role of this variant in disease. Therefore, it has been classified as a Variant of Uncertain Significance.

NM_021072.4(HCN1):c.1213C>T (p.Arg405Trp)

Gene: HCN1 (hyperpolarization activated cyclic nucleotide gated potassium channel 1; minus strand). Cytogenetic location: 5p12.
Variant type: single nucleotide variant.
Coding change: c.1213C>T on transcript NM_021072.4 (MANE Select); coding-DNA position 1213, C replaced by T.
Protein change: p.Arg405Trp; replaces arginine 405 with tryptophan.
Molecular consequence: missense variant.
Genome position (GRCh38, 1-based): chr5:45,396,509, G>A on the plus strand (C>T on the coding strand, the complement: HCN1 is on the minus strand). VCF-style: chr5-45396509-G-A. GRCh37 (hg19) VCF-style: chr5-45396611-G-A.
Other names: short protein forms R405W.
Identifiers: ClinVar variation 3705063 (VCV003705063.2).